The following is an entry in ClinVar:

NM_018941.4(CLN8):c.578A>G (p.Asn193Ser)

Gene: CLN8 (CLN8 transmembrane ER and ERGIC protein; plus strand). Cytogenetic location: 8p23.3.
Variant type: single nucleotide variant.
Coding change: c.578A>G on transcript NM_018941.4 (MANE Select); coding-DNA position 578, A replaced by G.
Protein change: p.Asn193Ser; replaces asparagine 193 with serine.
Molecular consequence: missense variant.
Genome position (GRCh38, 1-based): chr8:1,780,284, A>G. VCF-style: chr8-1780284-A-G. GRCh37 (hg19) VCF-style: chr8-1728450-A-G.
Other names: short protein forms N193S.
Identifiers: ClinVar variation 2155170 (VCV002155170.4), dbSNP rs997976248, ClinGen allele CA170448621.

ClinVar aggregate classification (germline): Uncertain significance. Review status: criteria provided, multiple submitters, no conflicts (2 of 4 stars). 2 submissions from 2 submitters: Uncertain significance (2). Last evaluated 2024-10-15.

Conditions:
Neuronal ceroid lipofuscinosis. Also called: Neuronal Ceroid Lipofuscinoses. Identifiers: Orphanet 216, Orphanet 79263, MedGen C0027877, MONDO:0016295. Disease mechanism: loss of function.

Allele frequency attached by ClinVar (database versions not stated): gnomAD exomes 0.00001; TOPMed 0.00002.
gnomAD v4.1: 13 of 1,614,256 alleles (0.00081%); highest among the groups gnomAD compares: African/African-American, 0.0013%; no homozygotes.

Submissions (2):

Labcorp Genetics (formerly Invitae), Labcorp
Classification: Uncertain significance for Neuronal ceroid lipofuscinosis. Last evaluated: 2024-10-15. Review status: criteria provided, single submitter. Criteria: Invitae Variant Classification Sherloc (09022015). Collection method: clinical testing. Allele origin: germline.
Comment: This sequence change replaces asparagine, which is neutral and polar, with serine, which is neutral and polar, at codon 193 of the CLN8 protein (p.Asn193Ser). This variant is present in population databases (no rsID available, gnomAD 0.007%). This variant has not been reported in the literature in individuals affected with CLN8-related conditions. ClinVar contains an entry for this variant (Variation ID: 2155170). Invitae Evidence Modeling of protein sequence and biophysical properties (such as structural, functional, and spatial information, amino acid conservation, physicochemical variation, residue mobility, and thermodynamic stability) has been performed for this missense variant. However, the output from this modeling did not meet the statistical confidence thresholds required to predict the impact of this variant on CLN8 protein function. In summary, the available evidence is currently insufficient to determine the role of this variant in disease. Therefore, it has been classified as a Variant of Uncertain Significance.

GeneDx
Classification: Uncertain significance. Last evaluated: 2023-07-11. Review status: criteria provided, single submitter. Criteria: GeneDx Variant Classification Process June 2021. Collection method: clinical testing. Allele origin: germline. Affected: yes.
Comment: Not observed at significant frequency in large population cohorts (gnomAD); In silico analysis supports that this missense variant has a deleterious effect on protein structure/function; Has not been previously published as pathogenic or benign to our knowledge